The following is an entry in ClinVar:

ClinVar aggregate classification (germline): Uncertain significance. Review status: criteria provided, multiple submitters, no conflicts (2 of 4 stars). 2 submissions from 2 submitters: Uncertain significance (2). Last evaluated 2025-10-08.

Conditions:
POLD1-related polyposis and colorectal cancer syndrome (CRCS10). Also called: Colorectal cancer 10; COLORECTAL CANCER, SUSCEPTIBILITY TO, ON CHROMOSOME 19q; Colorectal cancer, susceptibility to, 10. Identifiers: Orphanet 220460, MedGen C2675481, MONDO:0012953, OMIM 612591.
Hereditary cancer-predisposing syndrome. Also called: Tumor predisposition; Neoplastic Syndromes, Hereditary; Hereditary Cancer Syndrome; Hereditary neoplastic syndrome. Identifiers: Orphanet 140162, MedGen C0027672, MeSH D009386, MONDO:0015356.

gnomAD v4.1: 4 of 1,591,208 alleles (0.00025%); highest among the groups gnomAD compares: Non-Finnish European, 0.00034%; no homozygotes.

Submissions (2):

Ambry Genetics
Classification: Uncertain significance for Hereditary cancer-predisposing syndrome. Last evaluated: 2025-10-08. Review status: criteria provided, single submitter. Criteria: Ambry Variant Classification Scheme 2023. Collection method: clinical testing. Allele origin: germline.
Comment: The p.R322G variant (also known as c.964C>G), located in coding exon 7 of the POLD1 gene, results from a C to G substitution at nucleotide position 964. The arginine at codon 322 is replaced by glycine, an amino acid with dissimilar properties. This amino acid position is well conserved in available vertebrate species. In addition, the in silico prediction for this alteration is inconclusive. Since supporting evidence is limited at this time, the clinical significance of this alteration remains unclear.

Labcorp Genetics (formerly Invitae), Labcorp
Classification: Uncertain significance for POLD1-related polyposis and colorectal cancer syndrome. Last evaluated: 2025-09-05. Review status: criteria provided, single submitter. Criteria: Invitae Variant Classification Sherloc (09022015). Collection method: clinical testing. Allele origin: germline.
Comment: This sequence change replaces arginine, which is basic and polar, with glycine, which is neutral and non-polar, at codon 322 of the POLD1 protein (p.Arg322Gly). This variant is not present in population databases (gnomAD no frequency). This variant has not been reported in the literature in individuals affected with POLD1-related conditions. ClinVar contains an entry for this variant (Variation ID: 579828). Invitae Evidence Modeling of protein sequence and biophysical properties (such as structural, functional, and spatial information, amino acid conservation, physicochemical variation, residue mobility, and thermodynamic stability) indicates that this missense variant is expected to disrupt POLD1 protein function with a positive predictive value of 80%. In summary, the available evidence is currently insufficient to determine the role of this variant in disease. Therefore, it has been classified as a Variant of Uncertain Significance.

NM_002691.4(POLD1):c.964C>G (p.Arg322Gly)

Gene: POLD1 (DNA polymerase delta 1, catalytic subunit; plus strand). Cytogenetic location: 19q13.33.
Variant type: single nucleotide variant.
Coding change: c.964C>G on transcript NM_002691.4 (MANE Select); coding-DNA position 964, C replaced by G.
Protein change: p.Arg322Gly; replaces arginine 322 with glycine.
Molecular consequence: missense variant. On other transcripts: non-coding transcript variant (1).
Genome position (GRCh38, 1-based): chr19:50,402,735, C>G. VCF-style: chr19-50402735-C-G. GRCh37 (hg19) VCF-style: chr19-50905992-C-G.
Other names: c.964C>G, p.Arg322Gly (NM_001256849.1, NM_001308632.1); short protein forms R322G.
Identifiers: ClinVar variation 579828 (VCV000579828.12), dbSNP rs750155990, ClinGen allele CA16040480.
Genomic context (GRCh38, chr19:50,402,735, plus strand): 5'-GGGCCATGGCAGCGCATTGCGCCCTTGCGCGTGCTCAGCTTCGATATCGAGTGCGCCGGC[C>G]GCAAAGGTCTGTCCCCGGGCCCGGGCTCCTGCCCGCCTCATTGATGTGCCAAGTCGGGGG-3'
Protein context (NP_002682.2, residues 312-332): VLSFDIECAG[Arg322Gly]KGIFPEPERD